The following is an entry in ClinVar:

ClinVar aggregate classification (germline): Pathogenic (1 of 4 stars; one submission).

Conditions:
Ellis-van Creveld syndrome (EVC). Also called: MESOECTODERMAL DYSPLASIA; Chondroectodermal dysplasia. Identifiers: Orphanet 289, MedGen C0013903, MONDO:0009162, OMIM 225500.

Submission:

Myriad Genetics, Inc.
Classification: Pathogenic for Ellis-van Creveld syndrome. Last evaluated: 2023-08-25. Review status: criteria provided, single submitter. Criteria: Myriad Autosomal Dominant, Autosomal Recessive and X-Linked Classification Criteria (2023). Collection method: clinical testing. Allele origin: unknown.
Comment: NM_153717.2(EVC):c.957delA(K319Nfs*24) is expected to be pathogenic in the context of EVC-related Ellis-van Creveld syndrome. This variant is predicted to lead to an abnormal or absent protein product due to the creation of a premature termination codon in EVC, a gene where loss-of-function variants are known to be pathogenic. Please note: this variant was assessed in the context of healthy population screening.

NM_153717.3(EVC):c.957del (p.Lys319fs)

Gene: EVC (EvC ciliary complex subunit 1; plus strand). Cytogenetic location: 4p16.2.
Variant type: Deletion.
Coding change: c.957del on transcript NM_153717.3 (MANE Select); coding-DNA position 957, one base deleted (A; older notation c.957delA).
Protein change: p.Lys319fs; shifts the reading frame from lysine 319.
Molecular consequence: frameshift variant.
Genome position (GRCh38, 1-based): chr4:5,748,165, A deleted; the last of 3 consecutive A bases (chr4:5,748,163-5,748,165); deleting any one gives the same sequence. VCF-style (leftmost placement, unchanged base first): chr4-5748162-GA-G. GRCh37 (hg19) VCF-style: chr4-5749889-GA-G.
Other names: c.957del, p.Lys319fs (NM_001306090.2, NM_001306092.2); short protein forms K319fs.
Identifiers: ClinVar variation 5011476 (VCV005011476.1).
Genomic context (GRCh38, chr4:5,748,162, plus strand): 5'-AGTAAGTTTTTCACCTCACTTCTTGCTGCTTGTGCTCATTTCACAGATGGAAGCTTTCTG[GA>G]AACAGATGGCAAATATCCAGCACTTTCTTGTGGACCAGTTTAAGTGTTCCAGCTCCAAAG-3'